The following is an entry in ClinVar:

NM_006363.6(SEC23B):c.1484G>A (p.Arg495His)

Gene: SEC23B (SEC23 homolog B, COPII component; plus strand). Cytogenetic location: 20p11.23.
Variant type: single nucleotide variant.
Coding change: c.1484G>A on transcript NM_006363.6 (MANE Select); coding-DNA position 1484, G replaced by A.
Protein change: p.Arg495His; replaces arginine 495 with histidine.
Molecular consequence: missense variant.
Genome position (GRCh38, 1-based): chr20:18,542,375, G>A. VCF-style: chr20-18542375-G-A. GRCh37 (hg19) VCF-style: chr20-18523019-G-A.
Other names: p.Arg495His; c.1484G>A, p.Arg495His (NM_001172745.3, NM_032985.6, NM_032986.5); c.1430G>A, p.Arg477His (NM_001172746.3); short protein forms R495H, R477H.
Identifiers: ClinVar variation 259964 (VCV000259964.24), dbSNP rs141588462, ClinGen allele CA9778369.

ClinVar aggregate classification (germline): Benign/Likely benign. Review status: criteria provided, multiple submitters, no conflicts (2 of 4 stars). 5 submissions from 5 submitters: Benign (3); Likely benign (2). Last evaluated 2026-01-31.

Conditions:
Congenital dyserythropoietic anemia, type II (CDAN2). Also called: DYSERYTHROPOIETIC ANEMIA, HEMPAS TYPE. Identifiers: Orphanet 98873, MedGen C1306589, MONDO:0009134, OMIM 224100.
Cowden syndrome 7 (CWS7). Identifiers: Orphanet 201, MedGen C4225179, MONDO:0014802, OMIM 616858.

Allele frequency attached by ClinVar (database versions not stated): ExAC 0.00217; 1000 Genomes Project 0.00499; gnomAD 0.00677 and 0.00628; gnomAD exomes 0.00068 and 0.00181; TOPMed 0.00740; ESP Exome Variant Server 0.00730; 1000 Genomes Project 30x 0.00453.

Submissions (5):

Labcorp Genetics (formerly Invitae), Labcorp
Classification: Benign for Congenital dyserythropoietic anemia, type II; Cowden syndrome 7. Last evaluated: 2026-01-31. Review status: criteria provided, single submitter. Criteria: Invitae Variant Classification Sherloc (09022015). Collection method: clinical testing. Allele origin: germline.

Mayo Clinic Laboratories, Mayo Clinic
Classification: Likely benign. Last evaluated: 2025-12-17. Review status: criteria provided, single submitter. Criteria: ACMG Guidelines, 2015. Collection method: clinical testing. Allele origin: germline. Observed: 15 variant alleles.
Comment: BS2

ARUP Laboratories, Molecular Genetics and Genomics, ARUP Laboratories
Classification: Likely benign. Last evaluated: 2024-07-15. Review status: criteria provided, single submitter. Criteria: ARUP Molecular Germline Variant Investigation Process 2024. Collection method: clinical testing. Allele origin: germline.

Illumina Laboratory Services, Illumina
Classification: Benign for Congenital dyserythropoietic anemia, type II. Last evaluated: 2017-04-28. Review status: criteria provided, single submitter. Criteria: ICSL Variant Classification Criteria 13 December 2019. Collection method: clinical testing. Allele origin: germline.
Comment: This variant was observed as part of a predisposition screen in an ostensibly healthy population. A literature search was performed for the gene, cDNA change, and amino acid change (where applicable). No publications were found based on this search. Allele frequency data from public databases was too high to be consistent with this variant causing disease. Therefore, this variant is classified as benign.

PreventionGenetics, part of Exact Sciences
Classification: Benign. Review status: criteria provided, single submitter. Criteria: ACMG Guidelines, 2015. Collection method: clinical testing. Allele origin: germline.